The following is an entry in ClinVar:

ClinVar aggregate classification (germline): Pathogenic/Likely pathogenic. Review status: criteria provided, multiple submitters, no conflicts (2 of 4 stars). 7 submissions from 7 submitters: Pathogenic (6); Likely pathogenic (1). Last evaluated 2025-11-21.

Conditions:
MPI-congenital disorder of glycosylation. Also called: PROTEIN-LOSING ENTEROPATHY-HEPATIC FIBROSIS SYNDROME; MPI DEFICIENCY; MPI-CDG; CONGENITAL DISORDER OF GLYCOSYLATION, TYPE Ib; MANNOSEPHOSPHATE ISOMERASE DEFICIENCY; CDG Ib. Identifiers: Orphanet 79319, MedGen C1865145, MONDO:0011257, OMIM 602579.

Allele frequency attached by ClinVar (database versions not stated): ExAC 0.00002; gnomAD exomes 0.00002; TOPMed 0.00002; gnomAD 0.00003 and 0.00004; ESP Exome Variant Server 0.00008.

Submissions (7):

Natera, Inc.
Classification: Pathogenic for Congenital disorder of glycosylation type 1b. Last evaluated: 2025-11-21. Review status: criteria provided, single submitter. Criteria: Natera Variant Classification Schema (03/2026). Collection method: clinical testing. Allele origin: germline.
Comment: The c.1193T>C variant in MPI is a missense variant predicted to cause substitution of isoleucine to threonine at amino acid 398. This variant is rare in the general population with a frequency below the threshold expected for the associated phenotype(s). This variant has been observed in one or more individuals affected with the associated recessive disease, as either homozygous or compound heterozygous with a second variant (PMID: 30545931, 33204592). Computational prediction algorithms indicate this variant is likely to affect gene or protein function. Given the available evidence, this variant is classified as Pathogenic.

Fulgent Genetics
Classification: Pathogenic for MPI-congenital disorder of glycosylation. Last evaluated: 2024-05-10. Review status: criteria provided, single submitter. Criteria: ACMG Guidelines, 2015. Collection method: clinical testing. Allele origin: germline.

Baylor Genetics
Classification: Pathogenic for MPI-congenital disorder of glycosylation. Last evaluated: 2024-03-29. Review status: criteria provided, single submitter. Criteria: ACMG Guidelines, 2015. Collection method: clinical testing. Allele origin: unknown.

Labcorp Genetics (formerly Invitae), Labcorp
Classification: Pathogenic for MPI-congenital disorder of glycosylation. Last evaluated: 2024-03-11. Review status: criteria provided, single submitter. Criteria: Invitae Variant Classification Sherloc (09022015). Collection method: clinical testing. Allele origin: germline.
Comment: This sequence change replaces isoleucine, which is neutral and non-polar, with threonine, which is neutral and polar, at codon 398 of the MPI protein (p.Ile398Thr). This variant is present in population databases (rs369326210, gnomAD 0.008%). This missense change has been observed in individual(s) with MPI-congenital disorder of glycosylation (CDG-Ib) (PMID: 10484808, 30545931). In at least one individual the data is consistent with being in trans (on the opposite chromosome) from a pathogenic variant. It has also been observed to segregate with disease in related individuals. ClinVar contains an entry for this variant (Variation ID: 860729). Advanced modeling of protein sequence and biophysical properties (such as structural, functional, and spatial information, amino acid conservation, physicochemical variation, residue mobility, and thermodynamic stability) performed at Invitae indicates that this missense variant is not expected to disrupt MPI protein function with a negative predictive value of 80%. For these reasons, this variant has been classified as Pathogenic.

Intergen Genetics and Rare Diseases Diagnosis Center
Classification: Pathogenic for MPI-congenital disorder of glycosylation. Last evaluated: 2023-06-13. Review status: criteria provided, single submitter. Criteria: ACMG Guidelines, 2015. Collection method: clinical testing. Allele origin: unknown. Inheritance: Autosomal recessive inheritance. Affected: no. Observed: 1 heterozygote.

Women's Health and Genetics/Laboratory Corporation of America, LabCorp
Classification: Pathogenic for MPI-congenital disorder of glycosylation. Last evaluated: 2023-04-26. Review status: criteria provided, single submitter. Criteria: LabCorp Variant Classification Summary - May 2015. Collection method: clinical testing. Allele origin: germline.
Comment: Variant summary: MPI c.1193T>C (p.Ile398Thr) results in a non-conservative amino acid change located in the Phosphomannose isomerase type I, C-terminal domain (IPR046456) of the encoded protein sequence. Four of five in-silico tools predict a damaging effect of the variant on protein function. The variant allele was found at a frequency of 2.4e-05 in 251494 control chromosomes (gnomAD). c.1193T>C has been reported in the literature in multiple individuals affected with Congenital Disorder Of Glycosylation Type 1B (example: de la Morena-Barrio_2019, Abdel Ghaffar_2020 and Lipinski_2021). These data indicate that the variant is very likely to be associated with disease. The following publications have been ascertained in the context of this evaluation (PMID: 33643843, 30545931, 33204592).Three clinical diagnostic laboratories have submitted clinical-significance assessments for this variant to ClinVar after 2014 and all classified the variant as pathogenic/likely pathogenic. Based on the evidence outlined above, the variant was classified as pathogenic.

3billion
Classification: Likely pathogenic for MPI-congenital disorder of glycosylation. Last evaluated: 2022-09-01. Review status: criteria provided, single submitter. Criteria: ACMG Guidelines, 2015. Collection method: clinical testing. Allele origin: germline. Affected: yes. Observed: 1 homozygote.
Comment: The variant is observed at an extremely low frequency in the gnomAD v2.1.1 dataset (total allele frequency: 0.002%). While this variant results in missense change, protein truncation variants are a common disease-causing mechanism. In silico tool predictions suggest damaging effect of the variant on gene or gene product. The variant has been previously reported as pathogenic/likely pathogenic with strong evidence (ClinVar ID: VCV000860729). Therefore, this variant is classified as Likely pathogenic according to the recommendation of ACMG/AMP guideline.

Literature cited by the submitters: PubMed 30545931 (cited by 3 submitters); PubMed 33204592 (cited by Natera, Inc. and Women's Health and Genetics/Laboratory Corporation of America, LabCorp); PubMed 10484808 (cited by Labcorp Genetics (formerly Invitae), Labcorp); PubMed 33643843 (cited by Women's Health and Genetics/Laboratory Corporation of America, LabCorp).

NM_002435.3(MPI):c.1193T>C (p.Ile398Thr)

Gene: MPI (mannose phosphate isomerase; plus strand). Cytogenetic location: 15q24.1.
Variant type: single nucleotide variant.
Coding change: c.1193T>C on transcript NM_002435.3 (MANE Select); coding-DNA position 1193, T replaced by C.
Protein change: p.Ile398Thr; replaces isoleucine 398 with threonine.
Molecular consequence: missense variant. On other transcripts: 3 prime UTR variant (1).
Genome position (GRCh38, 1-based): chr15:74,897,651, T>C. VCF-style: chr15-74897651-T-C. GRCh37 (hg19) VCF-style: chr15-75189992-T-C.
Other names: c.*120T>C (NM_001289155.2); c.1043T>C, p.Ile348Thr (NM_001289156.2); c.1010T>C, p.Ile337Thr (NM_001289157.2); c.1133T>C, p.Ile378Thr (NM_001330372.2); short protein forms I378T, I337T, I398T, I348T.
Identifiers: ClinVar variation 860729 (VCV000860729.20), dbSNP rs369326210, ClinGen allele CA7662666.